The following is an entry in ClinVar:

ClinVar aggregate classification (germline): Likely benign. Review status: criteria provided, multiple submitters, no conflicts (2 of 4 stars). 2 submissions from 2 submitters: Likely benign (2). Last evaluated 2025-08-14.

Conditions:
Familial hemiplegic migraine. Identifiers: MedGen C0338484, MONDO:0000700.

Allele frequency attached by ClinVar (database versions not stated): gnomAD 0.00003; TOPMed 0.00002.
gnomAD v4.1: 60 of 1,613,634 alleles (0.0037%); highest among the groups gnomAD compares: Admixed American, 0.01%; no homozygotes.

Submissions (2):

Labcorp Genetics (formerly Invitae), Labcorp
Classification: Likely benign for Familial hemiplegic migraine. Last evaluated: 2025-08-14. Review status: criteria provided, single submitter. Criteria: Invitae Variant Classification Sherloc (09022015). Collection method: clinical testing. Allele origin: germline.

GeneDx
Classification: Likely benign. Last evaluated: 2017-11-13. Review status: criteria provided, single submitter. Criteria: GeneDx Variant Classification (06012015). Collection method: clinical testing. Allele origin: germline. Affected: yes.
Comment: This variant is considered likely benign or benign based on one or more of the following criteria: it is a conservative change, it occurs at a poorly conserved position in the protein, it is predicted to be benign by multiple in silico algorithms, and/or has population frequency not consistent with disease.

NM_000702.4(ATP1A2):c.2942+19C>T

Gene: ATP1A2 (ATPase Na+/K+ transporting subunit alpha 2; plus strand). Cytogenetic location: 1q23.2.
Variant type: single nucleotide variant.
Coding change: c.2942+19C>T on transcript NM_000702.4 (MANE Select); 19 bases into the intron after coding-DNA position 2942, C replaced by T.
Molecular consequence: intron variant.
Genome position (GRCh38, 1-based): chr1:160,139,760, C>T. VCF-style: chr1-160139760-C-T. GRCh37 (hg19) VCF-style: chr1-160109550-C-T.
Identifiers: ClinVar variation 513319 (VCV000513319.5), dbSNP rs187187416, ClinGen allele CA1194881.
Genomic context (GRCh38, chr1:160,139,760, plus strand): 5'-CTGCCCAGGCATGGGTGTAGCCCTCCGCATGTACCCGCTCAAGTGAGTGTCTCTTTCGGG[C>T]GGCCTGAGTAGTCATACGGGGGGCCTTCAGCCCCCTCCAGGATCCAAGTTCTGATCGCTT-3'